The following is an entry in ClinVar:

NM_052989.3(IFT122):c.1432dup (p.Val478fs)

Gene: IFT122 (intraflagellar transport 122; plus strand). Cytogenetic location: 3q21.3.
Variant type: Duplication.
Coding change: c.1432dup on transcript NM_052989.3 (MANE Select); coding-DNA position 1432, one base duplicated (G; older notation c.1432dupG).
Protein change: p.Val478fs; shifts the reading frame from valine 478.
Molecular consequence: frameshift variant.
Genome position (GRCh38, 1-based): chr3:129,479,866, G duplicated; the last of 2 consecutive G bases (chr3:129,479,865-129,479,866); duplicating either gives the same sequence. VCF-style (leftmost placement, unchanged base first): chr3-129479864-A-AG. GRCh37 (hg19) VCF-style: chr3-129198707-A-AG.
Other names: c.982dup, p.Val328fs (NM_001280545.2); c.1585dup, p.Val529fs (NM_052985.4); c.1099dup, p.Val367fs (NM_052990.3); c.1408dup, p.Val470fs (NM_001280541.2); c.805dup, p.Val269fs (NM_001280546.2); c.1255dup, p.Val419fs (NM_018262.4); short protein forms V269fs, V328fs, V470fs, V367fs, V419fs, V529fs, V478fs.
Identifiers: ClinVar variation 1435502 (VCV001435502.6), dbSNP rs2108311256, ClinGen allele CA2573136538.

ClinVar aggregate classification (germline): Pathogenic (1 of 4 stars; one submission).

Conditions:
Cranioectodermal dysplasia 1 (CED1). Also called: LEVIN SYNDROME I. Identifiers: Orphanet 1515, MedGen C0432235, MONDO:0021093, OMIM 218330.

Submission:

Labcorp Genetics (formerly Invitae), Labcorp
Classification: Pathogenic for Cranioectodermal dysplasia 1. Last evaluated: 2023-12-27. Review status: criteria provided, single submitter. Criteria: Invitae Variant Classification Sherloc (09022015). Collection method: clinical testing. Allele origin: germline.
Comment: This sequence change creates a premature translational stop signal (p.Val529Glyfs*50) in the IFT122 gene. It is expected to result in an absent or disrupted protein product. Loss-of-function variants in IFT122 are known to be pathogenic (PMID: 20493458, 23826986, 26792575). This variant is not present in population databases (gnomAD no frequency). This variant has not been reported in the literature in individuals affected with IFT122-related conditions. ClinVar contains an entry for this variant (Variation ID: 1435502). For these reasons, this variant has been classified as Pathogenic.

Literature cited by the submitters: PubMed 20493458; PubMed 23826986; PubMed 26792575.